The following is an entry in ClinVar:

ClinVar aggregate classification (germline): Uncertain significance (1 of 4 stars; one submission).

Submission:

Labcorp Genetics (formerly Invitae), Labcorp
Classification: Uncertain significance. Last evaluated: 2022-08-01. Review status: criteria provided, single submitter. Criteria: Invitae Variant Classification Sherloc (09022015). Collection method: clinical testing. Allele origin: germline.
Comment: This sequence change replaces glutamic acid, which is acidic and polar, with lysine, which is basic and polar, at codon 598 of the ARHGEF18 protein (p.Glu598Lys). This variant is not present in population databases (gnomAD no frequency). This variant has not been reported in the literature in individuals affected with ARHGEF18-related conditions. Algorithms developed to predict the effect of missense changes on protein structure and function (SIFT, PolyPhen-2, Align-GVGD) all suggest that this variant is likely to be disruptive. In summary, the available evidence is currently insufficient to determine the role of this variant in disease. Therefore, it has been classified as a Variant of Uncertain Significance.

NM_001367823.1(ARHGEF18):c.2356G>A (p.Glu786Lys)

Gene: ARHGEF18 (Rho/Rac guanine nucleotide exchange factor 18; plus strand). Cytogenetic location: 19p13.2.
Variant type: single nucleotide variant.
Coding change: c.2356G>A on transcript NM_001367823.1 (MANE Select); coding-DNA position 2356, G replaced by A.
Protein change: p.Glu786Lys; replaces glutamic acid 786 with lysine.
Molecular consequence: missense variant.
Genome position (GRCh38, 1-based): chr19:7,458,686, G>A. VCF-style: chr19-7458686-G-A. GRCh37 (hg19) VCF-style: chr19-7523572-G-A.
Other names: c.1630G>A, p.Glu544Lys (NM_001130955.2); c.1318G>A, p.Glu440Lys (NM_001367824.1, NM_015318.4); short protein forms E440K, E544K, E786K.
Identifiers: ClinVar variation 1714743 (VCV001714743.3), dbSNP rs2512296936, ClinGen allele CA403119007.